The following is an entry in ClinVar:

ClinVar aggregate classification (germline): Uncertain significance. Review status: criteria provided, multiple submitters, no conflicts (2 of 4 stars). 3 submissions from 3 submitters: Uncertain significance (3). Last evaluated 2024-02-03.

Conditions:
Inborn genetic diseases. Identifiers: MedGen C0950123, MeSH D030342.
Type 2 diabetes mellitus. Also called: Type II diabetes mellitus. Identifiers: MedGen C0011860, MeSH D003924, MONDO:0005148, OMIM 125853, HP:0005978.
Arterial calcification, generalized, of infancy, 1 (GACI1). Also called: Idiopathic Infantile Arterial Calcification. Identifiers: Orphanet 51608, MedGen C4551985, MONDO:0008817, OMIM 208000.
Hypopigmentation-punctate palmoplantar keratoderma syndrome. Also called: GUTTATE HYPOPIGMENTATION AND PUNCTATE PALMOPLANTAR KERATODERMA WITH OR WITHOUT ECTOPIC CALCIFICATION; Cole disease. Identifiers: Orphanet 324561, MedGen C3809781, MONDO:0014227, OMIM 615522.
Hypophosphatemic rickets, autosomal recessive, 2 (ARHR2). Identifiers: Orphanet 289176, MedGen C2750078, MONDO:0013219, OMIM 613312.
Inherited obesity. Also called: Monogenic Obesity. Identifiers: Orphanet 77828, MedGen C4054476, MONDO:0019182, OMIM 601665.

Allele frequency attached by ClinVar (database versions not stated): ExAC 0.00001; TOPMed 0.00001; gnomAD exomes 0.00002.
gnomAD v4.1: 32 of 1,614,072 alleles (0.002%); highest among the groups gnomAD compares: Non-Finnish European, 0.0027%; no homozygotes.

Submissions (3):

Fulgent Genetics
Classification: Uncertain significance for Type 2 diabetes mellitus; Arterial calcification, generalized, of infancy, 1; Inherited obesity; Hypophosphatemic rickets, autosomal recessive, 2; Hypopigmentation-punctate palmoplantar keratoderma syndrome. Last evaluated: 2024-02-03. Review status: criteria provided, single submitter. Criteria: ACMG Guidelines, 2015. Collection method: clinical testing. Allele origin: germline.

Ambry Genetics
Classification: Uncertain significance for Inborn genetic diseases. Last evaluated: 2022-08-29. Review status: criteria provided, single submitter. Criteria: Ambry Variant Classification Scheme 2023. Collection method: clinical testing. Allele origin: germline.

Labcorp Genetics (formerly Invitae), Labcorp
Classification: Uncertain significance. Last evaluated: 2021-11-23. Review status: criteria provided, single submitter. Criteria: Invitae Variant Classification Sherloc (09022015). Collection method: clinical testing. Allele origin: germline.
Comment: In summary, the available evidence is currently insufficient to determine the role of this variant in disease. Therefore, it has been classified as a Variant of Uncertain Significance. Algorithms developed to predict the effect of missense changes on protein structure and function (SIFT, PolyPhen-2, Align-GVGD) all suggest that this variant is likely to be tolerated. This variant has not been reported in the literature in individuals affected with ENPP1-related conditions. This variant is present in population databases (rs771405037, gnomAD 0.007%). This sequence change replaces alanine, which is neutral and non-polar, with threonine, which is neutral and polar, at codon 124 of the ENPP1 protein (p.Ala124Thr).

NM_006208.3(ENPP1):c.370G>A (p.Ala124Thr)

Gene: ENPP1 (ectonucleotide pyrophosphatase/phosphodiesterase 1; plus strand). Cytogenetic location: 6q23.2.
Variant type: single nucleotide variant.
Coding change: c.370G>A on transcript NM_006208.3 (MANE Select); coding-DNA position 370, G replaced by A.
Protein change: p.Ala124Thr; replaces alanine 124 with threonine.
Molecular consequence: missense variant.
Genome position (GRCh38, 1-based): chr6:131,850,046, G>A. VCF-style: chr6-131850046-G-A. GRCh37 (hg19) VCF-style: chr6-132171186-G-A.
Other names: c.370G>A (NM_006208.2); short protein forms A124T.
Identifiers: ClinVar variation 1460778 (VCV001460778.8), dbSNP rs771405037, ClinGen allele CA4001879.
Genomic context (GRCh38, chr6:131,850,046, plus strand): 5'-TCAGTTAAAAGTTGCAAAGGTCGCTGTTTCGAGAGAACATTTGGGAACTGTCGCTGTGAT[G>A]CTGCCTGTGTTGAGCTTGGAAACTGCTGTTTAGATTACCAGGAGACGTGCATAGAACCAG-3'
Protein context (NP_006199.2, residues 114-134): ERTFGNCRCD[Ala124Thr]ACVELGNCCL